The following is an entry in ClinVar:

NM_000051.4(ATM):c.2636T>C (p.Ile879Thr)

Gene: ATM (ATM serine/threonine kinase; plus strand). Cytogenetic location: 11q22.3.
Variant type: single nucleotide variant.
Coding change: c.2636T>C on transcript NM_000051.4 (MANE Select); coding-DNA position 2636, T replaced by C.
Protein change: p.Ile879Thr; replaces isoleucine 879 with threonine.
Molecular consequence: missense variant.
Genome position (GRCh38, 1-based): chr11:108,267,340, T>C. VCF-style: chr11-108267340-T-C. GRCh37 (hg19) VCF-style: chr11-108138067-T-C.
Other names: c.2636T>C, p.Ile879Thr (NM_001351834.2); short protein forms I879T.
Identifiers: ClinVar variation 246364 (VCV000246364.31), dbSNP rs746265230, ClinGen allele CA6265070.
Genomic context (GRCh38, chr11:108,267,340, plus strand): 5'-ACGATTACCCTGATAGTAGTGTTAGTGATGCAAACGAACCTGGAGAGAGCCAAAGTACCA[T>C]AGGTAAATACATATTTACTACTTGGGATTTCTTTTACTTCTTTATATTGATTTGGCAGTA-3'
Protein context (NP_000042.3, residues 869-889): ANEPGESQST[Ile879Thr]GAINPLAEEY

ClinVar aggregate classification (germline): Conflicting classifications of pathogenicity. Review status: criteria provided, conflicting classifications (1 of 4 stars). 10 submissions from 10 submitters: Uncertain significance (8); Likely benign (1). 1 of the submissions does not count toward it. Last evaluated 2026-04-04.

Conditions:
ATM-related disorder. Also called: ATM-related disorders; ATM-related condition.
Hereditary cancer-predisposing syndrome. Also called: Neoplastic Syndromes, Hereditary; Hereditary neoplastic syndrome; Hereditary Cancer Syndrome; Tumor predisposition. Identifiers: Orphanet 140162, MedGen C0027672, MeSH D009386, MONDO:0015356.
Familial cancer of breast. Also called: BREAST CANCER, FAMILIAL; Hereditary breast cancer; hereditary breast carcinoma. Identifiers: Orphanet 227535, MedGen C0346153, MONDO:0016419, OMIM 114480. Disease mechanism: loss of function.
Ataxia-telangiectasia syndrome (AT). Also called: LOUIS-BAR SYNDROME; Ataxia-telangiectasia, complementation group D; AT, COMPLEMENTATION GROUP C; Ataxia telangiectasia (A-T); ATAXIA-TELANGIECTASIA, COMPLEMENTATION GROUP A; ATAXIA-TELANGIECTASIA, FRESNO VARIANT. Identifiers: Orphanet 100, MedGen C0004135, MONDO:0008840, OMIM 208900.

Allele frequency attached by ClinVar (database versions not stated): gnomAD below 0.00001 and 0.00001; gnomAD exomes 0.00001 and 0.00002; TOPMed 0.00001; ExAC 0.00002.

Submissions (10):

Women's Health and Genetics/Laboratory Corporation of America, LabCorp
Classification: Uncertain significance. Last evaluated: 2026-04-04. Review status: criteria provided, single submitter. Criteria: LabCorp Variant Classification Summary - May 2015. Collection method: clinical testing. Allele origin: germline.

Labcorp Genetics (formerly Invitae), Labcorp
Classification: Uncertain significance for Ataxia-telangiectasia syndrome. Last evaluated: 2026-01-27. Review status: criteria provided, single submitter. Criteria: Invitae Variant Classification Sherloc (09022015). Collection method: clinical testing. Allele origin: germline.
Comment: This sequence change replaces isoleucine, which is neutral and non-polar, with threonine, which is neutral and polar, at codon 879 of the ATM protein (p.Ile879Thr). This variant is present in population databases (rs746265230, gnomAD 0.01%). This variant has not been reported in the literature in individuals affected with ATM-related conditions. ClinVar contains an entry for this variant (Variation ID: 246364). An algorithm developed to predict the effect of missense changes on protein structure and function outputs the following: PolyPhen-2: "Benign". The threonine amino acid residue is found in multiple mammalian species, which suggests that this missense change does not adversely affect protein function. In summary, the available evidence is currently insufficient to determine the role of this variant in disease. Therefore, it has been classified as a Variant of Uncertain Significance.

PreventionGenetics, part of Exact Sciences
Classification: Uncertain significance for ATM-related condition. Last evaluated: 2025-07-25. Review status: criteria provided, single submitter. Criteria: ACMG Guidelines, 2015. Collection method: clinical testing. Allele origin: germline.
Comment: The ATM c.2636T>C variant is predicted to result in the amino acid substitution p.Ile879Thr. To our knowledge, this variant has not been reported in the literature. This variant is reported in 0.0098% of alleles in individuals of South Asian descent in gnomAD, and has conflicting interpretations in ClinVar ranging from likely benign to uncertain (Variation ID: 246364). At this time, the clinical significance of this variant is uncertain due to the absence of conclusive functional and genetic evidence.

GeneDx
Classification: Uncertain significance. Last evaluated: 2025-06-03. Review status: criteria provided, single submitter. Criteria: GeneDx Variant Classification Process June 2021. Collection method: clinical testing. Allele origin: germline. Affected: yes.
Comment: Not observed at significant frequency in large population cohorts (gnomAD); In silico analysis suggests that this missense variant does not alter protein structure/function; Has not been previously published as pathogenic or benign to our knowledge

Blueprint Genetics
Classification: Uncertain significance. Last evaluated: 2024-07-10. Review status: criteria provided, single submitter. Criteria: ACMG Guidelines, 2015. Collection method: clinical testing. Allele origin: germline.

Ambry Genetics
Classification: Likely benign for Hereditary cancer-predisposing syndrome. Last evaluated: 2024-05-02. Review status: criteria provided, single submitter. Criteria: Ambry Variant Classification Scheme 2023. Collection method: clinical testing. Allele origin: germline.

Color Diagnostics, LLC DBA Color Health
Classification: Uncertain significance for Hereditary cancer-predisposing syndrome. Last evaluated: 2024-01-29. Review status: criteria provided, single submitter. Criteria: ACMG Guidelines, 2015. Collection method: clinical testing. Allele origin: germline.
Comment: This missense variant replaces isoleucine with threonine at codon 879 of the ATM protein. Computational prediction suggests that this variant may not impact protein structure and function. To our knowledge, functional studies have not been reported for this variant. This variant has not been reported in individuals affected with ATM-related disorders in the literature. This variant has been identified in 4/251380 chromosomes in the general population by the Genome Aggregation Database (gnomAD). The available evidence is insufficient to determine the role of this variant in disease conclusively. Therefore, this variant is classified as a Variant of Uncertain Significance.

MGZ Medical Genetics Center
Classification: Uncertain significance for Familial cancer of breast. Last evaluated: 2021-10-04. Review status: criteria provided, single submitter. Criteria: ACMG Guidelines, 2015. Collection method: clinical testing. Allele origin: germline. Affected: yes. Observed: 1 variant allele.
Comment: ACMG criteria applied: PM2_SUP, BP4

Sema4
Classification: Uncertain significance for Hereditary cancer-predisposing syndrome. Last evaluated: 2021-06-13. Review status: criteria provided, single submitter. Criteria: Sema4 Curation Guidelines. Collection method: curation. Allele origin: germline.
Comment: The ATM c.2636T>C (p.I879T) variant has not been reported in literature to our knowledge. This variant was observed in 3/30612 chromosomes in the South Asian subpopulation according to the Genome Aggregation Database (PMID: 32461654). This variant has been reported in ClinVar (Variation ID 246364). In silico tools suggest the impact of the variant on protein function is benign, though these predictions have not been confirmed by functional studies. The overall evidence is insufficient to meet ACMG/AMP criteria for classifying it as benign or pathogenic. In summary, the clinical significance of this variant is currently uncertain.

Natera, Inc.
Classification: Uncertain significance for Ataxia-telangiectasia. Last evaluated: 2020-09-16. Review status: no assertion criteria provided. Collection method: clinical testing. Allele origin: germline. Not counted in ClinVar's aggregate classification.